The following is an entry in ClinVar:

ClinVar aggregate classification (germline): Uncertain significance (1 of 4 stars; one submission).

Conditions:
Hereditary nonpolyposis colorectal neoplasms. Identifiers: MedGen C0009405, MeSH D003123.

Submission:

Labcorp Genetics (formerly Invitae), Labcorp
Classification: Uncertain significance for Hereditary nonpolyposis colorectal neoplasms. Last evaluated: 2022-12-17. Review status: criteria provided, single submitter. Criteria: Invitae Variant Classification Sherloc (09022015). Collection method: clinical testing. Allele origin: germline.
Comment: In summary, the available evidence is currently insufficient to determine the role of this variant in disease. Therefore, it has been classified as a Variant of Uncertain Significance. Advanced modeling of protein sequence and biophysical properties (such as structural, functional, and spatial information, amino acid conservation, physicochemical variation, residue mobility, and thermodynamic stability) performed at Invitae indicates that this missense variant is not expected to disrupt PMS2 protein function. This variant has not been reported in the literature in individuals affected with PMS2-related conditions. This variant is not present in population databases (gnomAD no frequency). This sequence change replaces glutamic acid, which is acidic and polar, with valine, which is neutral and non-polar, at codon 518 of the PMS2 protein (p.Glu518Val).

NM_000535.7(PMS2):c.1553A>T (p.Glu518Val)

Gene: PMS2 (PMS1 homolog 2, mismatch repair system component; minus strand). Cytogenetic location: 7p22.1.
Variant type: single nucleotide variant.
Coding change: c.1553A>T on transcript NM_000535.7 (MANE Select); coding-DNA position 1553, A replaced by T.
Protein change: p.Glu518Val; replaces glutamic acid 518 with valine.
Molecular consequence: missense variant. On other transcripts: intron variant (1), non-coding transcript variant (1).
Genome position (GRCh38, 1-based): chr7:5,987,212, T>A on the plus strand (A>T on the coding strand, the complement: PMS2 is on the minus strand). VCF-style: chr7-5987212-T-A. GRCh37 (hg19) VCF-style: chr7-6026843-T-A.
Other names: c.804-4221A>T (NM_001406912.1); c.1148A>T, p.Glu383Val (NM_001018040.1, NM_001322003.2, NM_001322004.2 and 17 more transcripts); c.1397A>T, p.Glu466Val (NM_001322006.2, NM_001406870.1); c.1235A>T, p.Glu412Val (NM_001322007.2, NM_001322008.2, NM_001406883.1 and 2 more transcripts); c.992A>T, p.Glu331Val (NM_001322010.2, NM_001406906.1, NM_001406907.1); c.620A>T, p.Glu207Val (NM_001322011.2, NM_001322012.2); c.980A>T, p.Glu327Val (NM_001322013.2, NM_001406909.1); c.1553A>T, p.Glu518Val (NM_001322014.2, NM_001406871.1, NM_001406872.1); and 13 more; short protein forms E331V, E383V, E406V, E462V, E466V, E207V, E347V, E410V.
Identifiers: ClinVar variation 3010551 (VCV003010551.3), dbSNP rs2128728177, ClinGen allele CA366741603.
Genomic context (GRCh38, chr7:5,987,212, plus strand): 5'-TTCTCCTGAGAGTCCACATGTTCCTGCGAGCCCCTGTCCCCTGGGGAGCTGGCCGCATAC[T>A]CGCTGCTGCAGTGACTGCCCGTGTCTGGGATGCTGAACCCCTCAGAATCCACGGAAGTGC-3'
Protein context (NP_000526.2, residues 508-528): IPDTGSHCSS[Glu518Val]YAASSPGDRG